The following is an entry in ClinVar:

ClinVar aggregate classification (germline): Uncertain significance (1 of 4 stars; one submission).

Conditions:
Inborn genetic diseases. Identifiers: MedGen C0950123, MeSH D030342.

Allele frequency attached by ClinVar (database versions not stated): TOPMed 0.00001.

Submission:

Ambry Genetics
Classification: Uncertain significance for Inborn genetic diseases. Last evaluated: 2020-05-11. Review status: criteria provided, single submitter. Criteria: Ambry Variant Classification Scheme 2023. Collection method: clinical testing. Allele origin: germline.
Comment: The p.T187A variant (also known as c.559A>G), located in coding exon 4 of the SLC5A7 gene, results from an A to G substitution at nucleotide position 559. The threonine at codon 187 is replaced by alanine, an amino acid with similar properties. This amino acid position is highly conserved in available vertebrate species. In addition, this alteration is predicted to be deleterious by in silico analysis. Since supporting evidence is limited at this time, the clinical significance of this alteration remains unclear.

NM_021815.5(SLC5A7):c.559A>G (p.Thr187Ala)

Gene: SLC5A7 (solute carrier family 5 member 7; plus strand). Cytogenetic location: 2q12.3.
Variant type: single nucleotide variant.
Coding change: c.559A>G on transcript NM_021815.5 (MANE Select); coding-DNA position 559, A replaced by G.
Protein change: p.Thr187Ala; replaces threonine 187 with alanine.
Molecular consequence: missense variant. On other transcripts: 5 prime UTR variant (1).
Genome position (GRCh38, 1-based): chr2:107,997,948, A>G. VCF-style: chr2-107997948-A-G. GRCh37 (hg19) VCF-style: chr2-108614404-A-G.
Other names: c.559A>G, p.Thr187Ala (NM_001305005.3); c.244A>G, p.Thr82Ala (NM_001305006.3); c.-146A>G (NM_001305007.3); short protein forms T187A, T82A.
Identifiers: ClinVar variation 1748526 (VCV001748526.2), dbSNP rs1251022261, ClinGen allele CA348112606.